The following is an entry in ClinVar:

NM_025179.4(PLXNA2):c.3604G>A (p.Glu1202Lys)

Gene: PLXNA2 (plexin A2; minus strand). Cytogenetic location: 1q32.2.
Variant type: single nucleotide variant.
Coding change: c.3604G>A on transcript NM_025179.4 (MANE Select); coding-DNA position 3604, G replaced by A.
Protein change: p.Glu1202Lys; replaces glutamic acid 1202 with lysine.
Molecular consequence: missense variant.
Genome position (GRCh38, 1-based): chr1:208,045,102, C>T on the plus strand (G>A on the coding strand, the complement: PLXNA2 is on the minus strand). VCF-style: chr1-208045102-C-T. GRCh37 (hg19) VCF-style: chr1-208218447-C-T.
Other names: c.3604G>A (NM_025179.3); short protein forms E1202K.
Identifiers: ClinVar variation 1354756 (VCV001354756.9), dbSNP rs1378994323, ClinGen allele CA344563864.

ClinVar aggregate classification (germline): Uncertain significance. Review status: criteria provided, single submitter (1 of 4 stars). 2 submissions from 2 submitters: Uncertain significance (1). 1 of the submissions does not count toward it. Last evaluated 2022-10-17.

Conditions:
PLXNA2-related disorder. Also called: PLXNA2-related condition.

Allele frequency attached by ClinVar (database versions not stated): gnomAD exomes below 0.00001; gnomAD 0.00001; TOPMed 0.00003.
gnomAD v4.1: 7 of 1,613,924 alleles (0.00043%); highest among the groups gnomAD compares: Admixed American, 0.0017%; no homozygotes.

Submissions (2):

Labcorp Genetics (formerly Invitae), Labcorp
Classification: Uncertain significance. Last evaluated: 2022-10-17. Review status: criteria provided, single submitter. Criteria: Invitae Variant Classification Sherloc (09022015). Collection method: clinical testing. Allele origin: germline.
Comment: In summary, the available evidence is currently insufficient to determine the role of this variant in disease. Therefore, it has been classified as a Variant of Uncertain Significance. This sequence change replaces glutamic acid, which is acidic and polar, with lysine, which is basic and polar, at codon 1202 of the PLXNA2 protein (p.Glu1202Lys). This variant is present in population databases (no rsID available, gnomAD 0.003%). This variant has not been reported in the literature in individuals affected with PLXNA2-related conditions. ClinVar contains an entry for this variant (Variation ID: 1354756). Advanced modeling of protein sequence and biophysical properties (such as structural, functional, and spatial information, amino acid conservation, physicochemical variation, residue mobility, and thermodynamic stability) performed at Invitae indicates that this missense variant is not expected to disrupt PLXNA2 protein function.

PreventionGenetics, part of Exact Sciences
Classification: Uncertain significance for PLXNA2-related condition. Last evaluated: 2024-04-16. Review status: no assertion criteria provided. Collection method: clinical testing. Allele origin: germline. Not counted in ClinVar's aggregate classification.
Comment: The PLXNA2 c.3604G>A variant is predicted to result in the amino acid substitution p.Glu1202Lys. To our knowledge, this variant has not been reported in the literature. This variant is reported in 0.0028% of alleles in individuals of Latino descent in gnomAD. At this time, the clinical significance of this variant is uncertain due to the absence of conclusive functional and genetic evidence.